The following is an entry in ClinVar:

ClinVar aggregate classification (germline): Likely benign. Review status: criteria provided, multiple submitters, no conflicts (2 of 4 stars). 2 submissions from 2 submitters: Likely benign (2). Last evaluated 2026-03-12.

Conditions:
Cardiovascular phenotype. Identifiers: MedGen CN230736.

gnomAD v4.1: 1 of 1,613,756 alleles (0.000062%); highest among the groups gnomAD compares: Non-Finnish European, 0.000085%; no homozygotes.

Submissions (2):

Ambry Genetics
Classification: Likely benign for Cardiovascular phenotype. Last evaluated: 2026-03-12. Review status: criteria provided, single submitter. Criteria: Ambry Variant Classification Scheme 2023. Collection method: clinical testing. Allele origin: germline.

Mayo Clinic Laboratories, Mayo Clinic
Classification: Likely benign. Last evaluated: 2025-09-17. Review status: criteria provided, single submitter. Criteria: ACMG Guidelines, 2015. Collection method: clinical testing. Allele origin: germline. Observed: 1 variant allele.
Comment: BP4, BP7, PM2_supporting

NM_001365276.2(TNXB):c.9216C>G (p.Thr3072=)

Gene: TNXB (tenascin XB; minus strand). Cytogenetic location: 6p21.33.
Variant type: single nucleotide variant.
Coding change: c.9216C>G on transcript NM_001365276.2 (MANE Select); coding-DNA position 9216, C replaced by G.
Protein change: p.Thr3072=; no amino-acid change (threonine 3072 retained).
Molecular consequence: synonymous variant.
Genome position (GRCh38, 1-based): chr6:32,050,221, G>C on the plus strand (C>G on the coding strand, the complement: TNXB is on the minus strand). VCF-style: chr6-32050221-G-C. GRCh37 (hg19) VCF-style: chr6-32017998-G-C.
Other names: p.Thr3070=; c.9210C>G (NM_019105.6); c.9957C>G, p.Thr3319= (NM_001428335.1); c.9210C>G, p.Thr3070= (NM_019105.8).
Identifiers: ClinVar variation 4684954 (VCV004684954.2).